The following is an entry in ClinVar:

ClinVar aggregate classification (germline): Uncertain significance (1 of 4 stars; one submission).

Allele frequency attached by ClinVar (database versions not stated): gnomAD below 0.00001 and 0.00004; gnomAD exomes 0.00004 and 0.00012; ExAC 0.00020; 1000 Genomes Project 30x 0.00047; 1000 Genomes Project 0.00060.
gnomAD v4.1: 73 of 1,603,344 alleles (0.0046%); highest among the groups gnomAD compares: South Asian, 0.075%; no homozygotes.

Submission:

Labcorp Genetics (formerly Invitae), Labcorp
Classification: Uncertain significance. Last evaluated: 2023-10-13. Review status: criteria provided, single submitter. Criteria: Invitae Variant Classification Sherloc (09022015). Collection method: clinical testing. Allele origin: germline.
Comment: This sequence change replaces valine, which is neutral and non-polar, with glycine, which is neutral and non-polar, at codon 201 of the SLC24A1 protein (p.Val201Gly). This variant is present in population databases (rs559502671, gnomAD 0.1%). This variant has not been reported in the literature in individuals affected with SLC24A1-related conditions. ClinVar contains an entry for this variant (Variation ID: 844421). An algorithm developed to predict the effect of missense changes on protein structure and function (PolyPhen-2) suggests that this variant¬†is likely to be tolerated. In summary, the available evidence is currently insufficient to determine the role of this variant in disease. Therefore, it has been classified as a Variant of Uncertain Significance.

NM_004727.3(SLC24A1):c.602T>G (p.Val201Gly)

Gene: SLC24A1 (solute carrier family 24 member 1; plus strand). Cytogenetic location: 15q22.31.
Variant type: single nucleotide variant.
Coding change: c.602T>G on transcript NM_004727.3 (MANE Select); coding-DNA position 602, T replaced by G.
Protein change: p.Val201Gly; replaces valine 201 with glycine.
Molecular consequence: missense variant.
Genome position (GRCh38, 1-based): chr15:65,624,682, T>G. VCF-style: chr15-65624682-T-G. GRCh37 (hg19) VCF-style: chr15-65917020-T-G.
Other names: c.602T>G, p.Val201Gly (NM_001301031.1, NM_001301032.1, NM_001301033.2); short protein forms V201G.
Identifiers: ClinVar variation 844421 (VCV000844421.9), dbSNP rs559502671, ClinGen allele CA7619772.